The following is an entry in ClinVar:

ClinVar aggregate classification (germline): Benign. Review status: criteria provided, multiple submitters, no conflicts (2 of 4 stars). 2 submissions from 2 submitters: Benign (2). Last evaluated 2018-06-19.

Allele frequency attached by ClinVar (database versions not stated): 1000 Genomes Project 0.15535; 1000 Genomes Project 30x 0.16349; gnomAD 0.20506 and 0.21458; TOPMed 0.20607.
gnomAD v4.1: 30,848 of 151,334 alleles (20%); highest among the groups gnomAD compares: African/African-American, 35%; 3,929 homozygotes.

Submissions (2):

GeneDx
Classification: Benign. Last evaluated: 2018-06-19. Review status: criteria provided, single submitter. Criteria: GeneDx Variant Classification (06012015). Collection method: clinical testing. Allele origin: germline. Affected: yes.
Comment: This variant is considered likely benign or benign based on one or more of the following criteria: it is a conservative change, it occurs at a poorly conserved position in the protein, it is predicted to be benign by multiple in silico algorithms, and/or has population frequency not consistent with disease.

Breakthrough Genomics
Classification: Benign. Review status: criteria provided, single submitter. Criteria: ACMG Guidelines, 2015. Collection method: not provided. Allele origin: germline. Inheritance: Autosomal dominant inheritance. Affected: yes.

NM_144670.6(A2ML1):c.1833+194T>C

Gene: A2ML1 (alpha-2-macroglobulin like 1; plus strand). Cytogenetic location: 12p13.31.
Variant type: single nucleotide variant.
Coding change: c.1833+194T>C on transcript NM_144670.6 (MANE Select); 194 bases into the intron after coding-DNA position 1833, T replaced by C.
Molecular consequence: intron variant.
Genome position (GRCh38, 1-based): chr12:8,847,892, T>C. VCF-style: chr12-8847892-T-C. GRCh37 (hg19) VCF-style: chr12-9000488-T-C.
Other names: c.360+194T>C (NM_001282424.3).
Identifiers: ClinVar variation 561558 (VCV000561558.2), dbSNP rs12296947, ClinGen allele CA13613190.